The following is an entry in ClinVar:

ClinVar aggregate classification (germline): Uncertain significance (1 of 4 stars; one submission).

Conditions:
Emery-Dreifuss muscular dystrophy 4, autosomal dominant (EDMD4). Also called: EMERY-DREIFUSS MUSCULAR DYSTROPHY 4 WITH VARIABLE FEATURES. Identifiers: Orphanet 261, MedGen C2751807, MONDO:0013071, OMIM 612998.
Autosomal recessive ataxia, Beauce type. Also called: SYNE1 Deficiency; Spinocerebellar ataxia, autosomal recessive 8; ATAXIA, RECESSIVE, OF BEAUCE; SYNE1-Related Autosomal Recessive Cerebellar Ataxia. Identifiers: Orphanet 88644, MedGen C1853116, MONDO:0012549, OMIM 610743.

gnomAD v4.1: 4 of 1,613,928 alleles (0.00025%); no homozygotes.

Submission:

Labcorp Genetics (formerly Invitae), Labcorp
Classification: Uncertain significance for Emery-Dreifuss muscular dystrophy 4, autosomal dominant; Autosomal recessive ataxia, Beauce type. Last evaluated: 2023-04-12. Review status: criteria provided, single submitter. Criteria: Invitae Variant Classification Sherloc (09022015). Collection method: clinical testing. Allele origin: germline.
Comment: In summary, the available evidence is currently insufficient to determine the role of this variant in disease. Therefore, it has been classified as a Variant of Uncertain Significance. An algorithm developed to predict the effect of missense changes on protein structure and function (PolyPhen-2) suggests that this variant is likely to be tolerated. ClinVar contains an entry for this variant (Variation ID: 2053324). This variant has not been reported in the literature in individuals affected with SYNE1-related conditions. This variant is present in population databases (no rsID available, gnomAD 0.006%). This sequence change replaces alanine, which is neutral and non-polar, with threonine, which is neutral and polar, at codon 4015 of the SYNE1 protein (p.Ala4015Thr).

NM_182961.4(SYNE1):c.12256G>A (p.Ala4086Thr)

Gene: SYNE1 (spectrin repeat containing nuclear envelope protein 1; minus strand). Cytogenetic location: 6q25.2.
Variant type: single nucleotide variant.
Coding change: c.12256G>A on transcript NM_182961.4 (MANE Select); coding-DNA position 12256, G replaced by A.
Protein change: p.Ala4086Thr; replaces alanine 4086 with threonine.
Molecular consequence: missense variant.
Genome position (GRCh38, 1-based): chr6:152,339,336, C>T on the plus strand (G>A on the coding strand, the complement: SYNE1 is on the minus strand). VCF-style: chr6-152339336-C-T. GRCh37 (hg19) VCF-style: chr6-152660471-C-T.
Other names: c.12043G>A, p.Ala4015Thr (NM_033071.5); short protein forms A4015T, A4086T.
Identifiers: ClinVar variation 2053324 (VCV002053324.4), dbSNP rs1386738715, ClinGen allele CA366109963.
Genomic context (GRCh38, chr6:152,339,336, plus strand): 5'-TTTTCACCGAAGCATTTGACAGGTCACACATGGAGCAAAGGAGATCTAGGTAGGTCCTTG[C>T]CTGCTCTTGCAAAGCTCTGAAGTGTTTGACCTGGAAAAGGCAGTTATCAGAGTGAAAGAG-3'
Protein context (NP_892006.3, residues 4076-4096): VKHFRALQEQ[Ala4086Thr]RTYLDLLCSM